The following is an entry in ClinVar:

ClinVar aggregate classification (germline): Uncertain significance. Review status: criteria provided, multiple submitters, no conflicts (2 of 4 stars). 2 submissions from 2 submitters: Uncertain significance (2). Last evaluated 2023-10-02.

Allele frequency attached by ClinVar (database versions not stated): ExAC 0.00001; gnomAD 0.00001; gnomAD exomes 0.00001; TOPMed 0.00002.

Submissions (2):

Blueprint Genetics
Classification: Uncertain significance. Last evaluated: 2023-10-02. Review status: criteria provided, single submitter. Criteria: ACMG Guidelines, 2015. Collection method: clinical testing. Allele origin: germline.

Labcorp Genetics (formerly Invitae), Labcorp
Classification: Uncertain significance. Last evaluated: 2022-08-16. Review status: criteria provided, single submitter. Criteria: Invitae Variant Classification Sherloc (09022015). Collection method: clinical testing. Allele origin: germline.
Comment: Algorithms developed to predict the effect of missense changes on protein structure and function are either unavailable or do not agree on the potential impact of this missense change (SIFT: "Deleterious"; PolyPhen-2: "Probably Damaging"; Align-GVGD: "Class C15"). ClinVar contains an entry for this variant (Variation ID: 1514457). This variant has not been reported in the literature in individuals affected with CAPN5-related conditions. This variant is present in population databases (rs782794684, gnomAD 0.006%). This sequence change replaces threonine, which is neutral and polar, with methionine, which is neutral and non-polar, at codon 353 of the CAPN5 protein (p.Thr353Met). In summary, the available evidence is currently insufficient to determine the role of this variant in disease. Therefore, it has been classified as a Variant of Uncertain Significance.

NM_004055.5(CAPN5):c.1058C>T (p.Thr353Met)

Gene: CAPN5 (calpain 5; plus strand). Cytogenetic location: 11q13.5.
Variant type: single nucleotide variant.
Coding change: c.1058C>T on transcript NM_004055.5 (MANE Select); coding-DNA position 1058, C replaced by T.
Protein change: p.Thr353Met; replaces threonine 353 with methionine.
Molecular consequence: missense variant.
Genome position (GRCh38, 1-based): chr11:77,118,243, C>T. VCF-style: chr11-77118243-C-T. GRCh37 (hg19) VCF-style: chr11-76829289-C-T.
Other names: short protein forms T353M.
Identifiers: ClinVar variation 1514457 (VCV001514457.7), dbSNP rs782794684, ClinGen allele CA6196670.